The following is an entry in ClinVar:

NM_001195305.3(BBIP1):c.137T>C (p.Met46Thr)

Gene: BBIP1 (BBSome interacting protein 1; minus strand). Cytogenetic location: 10q25.2.
Variant type: single nucleotide variant.
Coding change: c.137T>C on transcript NM_001195305.3 (MANE Select); coding-DNA position 137, T replaced by C.
Protein change: p.Met46Thr; replaces methionine 46 with threonine.
Molecular consequence: missense variant. On other transcripts: synonymous variant (1).
Genome position (GRCh38, 1-based): chr10:110,900,502, A>G on the plus strand (T>C on the coding strand, the complement: BBIP1 is on the minus strand). VCF-style: chr10-110900502-A-G. GRCh37 (hg19) VCF-style: chr10-112660260-A-G.
Other names: p.Met46Thr; c.294T>C, p.Asn98= (NM_001195304.2); c.137T>C, p.Met46Thr (NM_001195306.2); c.62T>C, p.Met21Thr (NM_001195307.2); c.71T>C, p.Met24Thr (NM_001243783.3); c.294T>C (NM_001195304.1); short protein forms M24T, M46T, M21T.
Identifiers: ClinVar variation 935918 (VCV000935918.11), dbSNP rs11548767, ClinGen allele CA5689317.
Genomic context (GRCh38, chr10:110,900,502, plus strand): 5'-AGTTTTTCCAGAGTCAGAGATTTTAAGGGTAAAAGTTTGGGTTTACACAGCACCATTGTC[A>G]TTATATCTTCCACAAACAGTGGCCCTAAGTTTAACAAGAAATAAGAATTAATTCAAGAAA-3'
Protein context (NP_001182234.1, residues 36-56): KQGPLFVEDI[Met46Thr]TMVLCKPKLL

ClinVar aggregate classification (germline): Conflicting classifications of pathogenicity. Review status: criteria provided, conflicting classifications (1 of 4 stars). 5 submissions from 5 submitters: Uncertain significance (2); Benign (1); Likely benign (2). Last evaluated 2026-01-06.

Conditions:
Bardet-Biedl syndrome 18 (BBS18). Identifiers: Orphanet 110, MedGen C3806174, MONDO:0014446, OMIM 615995.

Allele frequency attached by ClinVar (database versions not stated): gnomAD exomes 0.00009 and 0.00023; ExAC 0.00014; gnomAD 0.00098 and 0.00103; TOPMed 0.00099; 1000 Genomes Project 30x 0.00141; 1000 Genomes Project 0.00160.

Submissions (5):

Labcorp Genetics (formerly Invitae), Labcorp
Classification: Likely benign. Last evaluated: 2026-01-06. Review status: criteria provided, single submitter. Criteria: Invitae Variant Classification Sherloc (09022015). Collection method: clinical testing. Allele origin: germline.

Ambry Genetics
Classification: Likely benign. Last evaluated: 2025-08-03. Review status: criteria provided, single submitter. Criteria: Ambry Variant Classification Scheme 2023. Collection method: clinical testing. Allele origin: germline.

Mayo Clinic Laboratories, Mayo Clinic
Classification: Uncertain significance. Last evaluated: 2025-03-14. Review status: criteria provided, single submitter. Criteria: ACMG Guidelines, 2015. Collection method: clinical testing. Allele origin: germline. Observed: 1 variant allele.
Comment: BP4_moderate

Blueprint Genetics
Classification: Benign. Last evaluated: 2024-11-14. Review status: criteria provided, single submitter. Criteria: ACMG Guidelines, 2015. Collection method: clinical testing. Allele origin: germline.

Fulgent Genetics
Classification: Uncertain significance for Bardet-Biedl syndrome 18. Last evaluated: 2022-02-25. Review status: criteria provided, single submitter. Criteria: ACMG Guidelines, 2015. Collection method: clinical testing. Allele origin: unknown.

Literature cited by the submitters: PubMed 35562395 (cited by Mayo Clinic Laboratories, Mayo Clinic).